The following is an entry in ClinVar:

NM_001204.7(BMPR2):c.307A>G (p.Thr103Ala)

Gene: BMPR2 (bone morphogenetic protein receptor type 2; plus strand). Cytogenetic location: 2q33.1.
Variant type: single nucleotide variant.
Coding change: c.307A>G on transcript NM_001204.7 (MANE Select); coding-DNA position 307, A replaced by G.
Protein change: p.Thr103Ala; replaces threonine 103 with alanine.
Molecular consequence: missense variant.
Genome position (GRCh38, 1-based): chr2:202,467,578, A>G. VCF-style: chr2-202467578-A-G. GRCh37 (hg19) VCF-style: chr2-203332301-A-G.
Other names: short protein forms T103A.
Identifiers: ClinVar variation 3824729 (VCV003824729.1).
Genomic context (GRCh38, chr2:202,467,578, plus strand): 5'-GGATGTTGGTCTCACATTGGAGATCCCCAAGAGTGTCACTATGAAGAATGTGTAGTAACT[A>G]CCACTCCTCCCTCAATTCAGAATGGAACATACCGTTTCTGCTGTTGTAGCACAGATTTAT-3'
Protein context (NP_001195.2, residues 93-113): ECHYEECVVT[Thr103Ala]TPPSIQNGTY

ClinVar aggregate classification (germline): Uncertain significance (1 of 4 stars; one submission).

Conditions:
Inborn genetic diseases. Identifiers: MedGen C0950123, MeSH D030342.

gnomAD v4.1: 4 of 1,579,848 alleles (0.00025%); highest among the groups gnomAD compares: African/African-American, 0.0013%; no homozygotes.

Submission:

Ambry Genetics
Classification: Uncertain significance for Inborn genetic diseases. Last evaluated: 2024-12-19. Review status: criteria provided, single submitter. Criteria: Ambry Variant Classification Scheme 2023. Collection method: clinical testing. Allele origin: germline.
Comment: The p.T103A variant (also known as c.307A>G), located in coding exon 3 of the BMPR2 gene, results from an A to G substitution at nucleotide position 307. The threonine at codon 103 is replaced by alanine, an amino acid with similar properties. This amino acid position is conserved. In addition, the in silico prediction for this alteration is inconclusive. Based on the available evidence, the clinical significance of this variant remains unclear.